The following is an entry in ClinVar:

ClinVar aggregate classification (germline): Uncertain significance (1 of 4 stars; one submission).

Conditions:
Hypertrophic cardiomyopathy. Also called: HYPERTROPHIC MYOCARDIOPATHY. Identifiers: Orphanet 217569, MedGen C0007194, MeSH D002312, MONDO:0005045, HP:0001639.

Submission:

Labcorp Genetics (formerly Invitae), Labcorp
Classification: Uncertain significance for Hypertrophic cardiomyopathy. Last evaluated: 2024-04-06. Review status: criteria provided, single submitter. Criteria: Invitae Variant Classification Sherloc (09022015). Collection method: clinical testing. Allele origin: germline.
Comment: This sequence change replaces serine, which is neutral and polar, with cysteine, which is neutral and slightly polar, at codon 578 of the MYH7 protein (p.Ser578Cys). This variant is not present in population databases (gnomAD no frequency). This variant has not been reported in the literature in individuals affected with MYH7-related conditions. Advanced modeling of protein sequence and biophysical properties (such as structural, functional, and spatial information, amino acid conservation, physicochemical variation, residue mobility, and thermodynamic stability) performed at Invitae indicates that this missense variant is expected to disrupt MYH7 protein function with a positive predictive value of 95%. In summary, the available evidence is currently insufficient to determine the role of this variant in disease. Therefore, it has been classified as a Variant of Uncertain Significance.

NM_000257.4(MYH7):c.1733C>G (p.Ser578Cys)

Gene: MYH7 (myosin heavy chain 7; minus strand). Cytogenetic location: 14q11.2.
Variant type: single nucleotide variant.
Coding change: c.1733C>G on transcript NM_000257.4 (MANE Select); coding-DNA position 1733, C replaced by G.
Protein change: p.Ser578Cys; replaces serine 578 with cysteine.
Molecular consequence: missense variant.
Genome position (GRCh38, 1-based): chr14:23,427,740, G>C on the plus strand (C>G on the coding strand, the complement: MYH7 is on the minus strand). VCF-style: chr14-23427740-G-C. GRCh37 (hg19) VCF-style: chr14-23896949-G-C.
Other names: c.1733C>G, p.Ser578Cys (NM_001407004.1); short protein forms S578C.
Identifiers: ClinVar variation 3636040 (VCV003636040.2).